The following is an entry in ClinVar:

ClinVar aggregate classification (germline): Uncertain significance (1 of 4 stars; one submission).

gnomAD v4.1: 22 of 674,540 alleles (0.0033%); highest among the groups gnomAD compares: African/African-American, 0.03%; no homozygotes.

Submission:

Dasa
Classification: Uncertain significance. Last evaluated: 2026-02-26. Review status: criteria provided, single submitter. Criteria: DASA Assertion Criteria. Collection method: clinical testing. Allele origin: germline.
Comment: NM_170707.4(LMNA):c.1381-213A>G is an intronic variant. This variant is rare in population databases. The currently available literature and clinical evidence are not sufficient to establish a definitive association between this variant and the reported condition. Therefore, this variant is classified as a variant of uncertain significance.

NM_170707.4(LMNA):c.1381-213A>G

Gene: LMNA (lamin A/C; plus strand). Cytogenetic location: 1q22.
Variant type: single nucleotide variant.
Coding change: c.1381-213A>G on transcript NM_170707.4 (MANE Select); 213 bases into the intron before coding-DNA position 1381, A replaced by G.
Molecular consequence: intron variant.
Genome position (GRCh38, 1-based): chr1:156,136,708, A>G. VCF-style: chr1-156136708-A-G. GRCh37 (hg19) VCF-style: chr1-156106499-A-G.
Other names: c.1381-213A>G (NM_001406983.1, NM_001282625.2, NM_001406984.1 and 6 more transcripts); c.823-213A>G (NM_001407002.1, NM_001406993.1, NM_001407003.1 and 4 more transcripts); c.757-213A>G (NM_001406999.1, NM_001407000.1, NM_001406994.1 and 1 more transcripts); c.1138-213A>G (NM_001406986.1, NM_001406987.1, NM_001282624.2); c.1045-213A>G (NM_001406989.1, NM_001257374.3, NM_001406998.1); c.1084-213A>G (NM_001406988.1).
Identifiers: ClinVar variation 4881575 (VCV004881575.2).